The following is an entry in ClinVar:

NM_031844.3(HNRNPU):c.191_206del (p.Gly64fs)

Gene: HNRNPU (heterogeneous nuclear ribonucleoprotein U; minus strand). Cytogenetic location: 1q44.
Variant type: Deletion.
Coding change: c.191_206del on transcript NM_031844.3 (MANE Select); coding-DNA positions 191 to 206, 16 bases deleted (GGGATTCCGCTGGGCG).
Protein change: p.Gly64fs; shifts the reading frame from glycine 64.
Molecular consequence: frameshift variant.
Genome position (GRCh38, 1-based): chr1:244,864,102-244,864,117, CGCCCAGCGGAATCCC deleted on the plus strand (GGGATTCCGCTGGGCG on the coding strand, the reverse complement: HNRNPU is on the minus strand); deleting any 16 consecutive bases within chr1:244,864,102-244,864,124 gives the same sequence; the c. name uses the placement nearest the transcript's 3' end. VCF-style (leftmost placement, unchanged base first): chr1-244864101-GCGCCCAGCGGAATCCC-G. GRCh37 (hg19) VCF-style: chr1-245027403-GCGCCCAGCGGAATCCC-G.
Other names: c.191_206del, p.Gly64fs (NM_004501.3); short protein forms G64fs.
Identifiers: ClinVar variation 524096 (VCV000524096.9), dbSNP rs1553284007, ClinGen allele CA658795666.

ClinVar aggregate classification (germline): Pathogenic. Review status: criteria provided, multiple submitters, no conflicts (2 of 4 stars). 2 submissions from 2 submitters: Pathogenic (2). Last evaluated 2020-09-07.

Conditions:
Developmental and epileptic encephalopathy, 54. Also called: Epileptic encephalopathy, early infantile, 54; HNRNPU-Related Neurodevelopmental Disorder. Identifiers: MedGen C4479319, MONDO:0033363, OMIM 617391.

Submissions (2):

Labcorp Genetics (formerly Invitae), Labcorp
Classification: Pathogenic for Developmental and epileptic encephalopathy, 54. Last evaluated: 2020-09-07. Review status: criteria provided, single submitter. Criteria: Invitae Variant Classification Sherloc (09022015). Collection method: clinical testing. Allele origin: germline.
Comment: This sequence change creates a premature translational stop signal (p.Gly64Alafs*38) in the HNRNPU gene. It is expected to result in an absent or disrupted protein product. This variant is not present in population databases (ExAC no frequency). This variant has not been reported in the literature in individuals with HNRNPU-related conditions. ClinVar contains an entry for this variant (Variation ID: 524096). Loss-of-function variants in HNRNPU are known to be pathogenic (PMID: 22678713, 28283832). For these reasons, this variant has been classified as Pathogenic.

GeneDx
Classification: Pathogenic. Last evaluated: 2018-04-09. Review status: criteria provided, single submitter. Criteria: GeneDx Variant Classification (06012015). Collection method: clinical testing. Allele origin: germline. Affected: yes.
Comment: The c.191_206del16 variant in the HNRNPU gene has not been reported previously as a pathogenic variant nor as a benign variant, to our knowledge. The c.191_206del16 variant causes a frameshift starting with codon Glycine 64, changes this amino acid to an Alanine residue, and creates a premature Stop codon at position 38 of the new reading frame, denoted p.Gly64AlafsX38. This variant is predicted to cause loss of normal protein function either through protein truncation or nonsense-mediated mRNA decay. The c.191_206del16 variant is not observed in large population cohorts (Lek et al., 2016). We interpret c.191_206del16 as a pathogenic variant, consistent with the clinical features reported in this individual.

Literature cited by the submitters: PubMed 22678713 (cited by Labcorp Genetics (formerly Invitae), Labcorp); PubMed 28283832 (cited by Labcorp Genetics (formerly Invitae), Labcorp).